The following is an entry in ClinVar:

NM_002661.5(PLCG2):c.2225G>T (p.Arg742Leu)

Gene: PLCG2 (phospholipase C gamma 2; plus strand). Cytogenetic location: 16q23.3.
Variant type: single nucleotide variant.
Coding change: c.2225G>T on transcript NM_002661.5 (MANE Select); coding-DNA position 2225, G replaced by T.
Protein change: p.Arg742Leu; replaces arginine 742 with leucine.
Molecular consequence: missense variant.
Genome position (GRCh38, 1-based): chr16:81,919,654, G>T. VCF-style: chr16-81919654-G-T. GRCh37 (hg19) VCF-style: chr16-81953259-G-T.
Other names: c.2225G>T, p.Arg742Leu (NM_001425749.1, NM_001425750.1, NM_001425751.1); short protein forms R742L.
Identifiers: ClinVar variation 2815990 (VCV002815990.3), dbSNP rs756480279, ClinGen allele CA396902161.

ClinVar aggregate classification (germline): Uncertain significance (1 of 4 stars; one submission).

Conditions:
Familial cold autoinflammatory syndrome 3 (FCAS3). Also called: FAMILIAL ATYPICAL COLD URTICARIA; ANTIBODY DEFICIENCY AND IMMUNE DYSREGULATION, PLCG2-ASSOCIATED. Identifiers: Orphanet 300359, MedGen C3280914, MONDO:0013766, OMIM 614468.

Submission:

Labcorp Genetics (formerly Invitae), Labcorp
Classification: Uncertain significance for Familial cold autoinflammatory syndrome 3. Last evaluated: 2022-12-03. Review status: criteria provided, single submitter. Criteria: Invitae Variant Classification Sherloc (09022015). Collection method: clinical testing. Allele origin: germline.
Comment: In summary, the available evidence is currently insufficient to determine the role of this variant in disease. Therefore, it has been classified as a Variant of Uncertain Significance. Algorithms developed to predict the effect of missense changes on protein structure and function (SIFT, PolyPhen-2, Align-GVGD) all suggest that this variant is likely to be disruptive. This variant has not been reported in the literature in individuals affected with PLCG2-related conditions. This variant is not present in population databases (gnomAD no frequency). This sequence change replaces arginine, which is basic and polar, with leucine, which is neutral and non-polar, at codon 742 of the PLCG2 protein (p.Arg742Leu).